The following is an entry in ClinVar:

NM_000274.4(OAT):c.721_722dup (p.Asp242fs)

Genes: OAT (ornithine aminotransferase; minus strand), LOC121815974 (Sharpr-MPRA regulatory region 15365; plus strand). Cytogenetic location: 10q26.13.
Variant type: Duplication.
Coding change: c.721_722dup on transcript NM_000274.4 (MANE Select); coding-DNA positions 721 to 722, 2 bases duplicated (CC; older notation c.721_722dupCC).
Protein change: p.Asp242fs; shifts the reading frame from aspartic acid 242.
Molecular consequence: frameshift variant.
Genome position (GRCh38, 1-based): chr10:124,403,847-124,403,848, GG duplicated on the plus strand (CC on the coding strand, the reverse complement: OAT is on the minus strand). VCF-style (leftmost placement, unchanged base first): chr10-124403846-C-CGG. GRCh37 (hg19) VCF-style: chr10-126092415-C-CGG.
Other names: c.721_722dupCC (NM_000274.3); c.307_308dup, p.Asp104fs (NM_001171814.2); c.721_722dup, p.Asp242fs (NM_001322965.2, NM_001322966.2, NM_001322967.2 and 3 more transcripts); c.400_401dup, p.Asp135fs (NM_001322971.2); c.121_122dup, p.Asp42fs (NM_001322974.2); short protein forms D104fs, D242fs, D42fs, D135fs.
Identifiers: ClinVar variation 1402559 (VCV001402559.11), dbSNP rs1468939642, ClinGen allele CA661084148.

ClinVar aggregate classification (germline): Pathogenic/Likely pathogenic. Review status: criteria provided, multiple submitters, no conflicts (2 of 4 stars). 6 submissions from 6 submitters: Pathogenic (3); Likely pathogenic (3). Last evaluated 2025-06-29.

Conditions:
Ornithine aminotransferase deficiency (GACR). Also called: OKT DEFICIENCY; HYPERORNITHINEMIA WITH GYRATE ATROPHY OF CHOROID AND RETINA; OAT DEFICIENCY; Ornithine ketoacid aminotransferase deficiency; Gyrate atrophy; Gyrate atrophy of choroid and retina. Identifiers: Orphanet 414, MedGen C0018425, MONDO:0009796, OMIM 258870.
OAT-related disorder. Also called: OAT-related condition.

Allele frequency attached by ClinVar (database versions not stated): TOPMed 0.00001; gnomAD 0.00001; gnomAD exomes below 0.00001.

Submissions (6):

Labcorp Genetics (formerly Invitae), Labcorp
Classification: Pathogenic for Ornithine aminotransferase deficiency. Last evaluated: 2025-06-29. Review status: criteria provided, single submitter. Criteria: Invitae Variant Classification Sherloc (09022015). Collection method: clinical testing. Allele origin: germline.
Comment: This sequence change creates a premature translational stop signal (p.Asp242Argfs*6) in the OAT gene. It is expected to result in an absent or disrupted protein product. Loss-of-function variants in OAT are known to be pathogenic (PMID: 1737786, 23076989). This variant is not present in population databases (gnomAD no frequency). This variant has not been reported in the literature in individuals affected with OAT-related conditions. ClinVar contains an entry for this variant (Variation ID: 1402559). Algorithms developed to predict the effect of sequence changes on RNA splicing suggest that this variant may disrupt the consensus splice site. For these reasons, this variant has been classified as Pathogenic.

3billion
Classification: Pathogenic for Ornithine aminotransferase deficiency. Last evaluated: 2025-04-08. Review status: criteria provided, single submitter. Criteria: ACMG Guidelines, 2015. Collection method: clinical testing. Allele origin: germline. Affected: yes.
Comment: The variant is observed at an extremely low frequency in the gnomAD v4.1.0 dataset (total allele frequency: 0.001%). Predicted Consequence/Location: Stop-gained (nonsense): predicted to result in a loss or disruption of normal protein function through nonsense-mediated decay (NMD) or protein truncation. Multiple pathogenic variants are reported downstream of the variant. The variant has been reported at least twice as pathogenic with clinical assertions and evidence for the classification (ClinVar ID: VCV000056141 / PMID: 23076989). Therefore, this variant is classified as Pathogenic according to the recommendation of ACMG/AMP guideline.

Natera, Inc.
Classification: Likely pathogenic for Gyrate atrophy. Last evaluated: 2024-09-23. Review status: criteria provided, single submitter. Criteria: Natera Variant Classification Schema (03/2026). Collection method: clinical testing. Allele origin: germline.
Comment: The c.721_722dupCC variant in OAT is a frameshift variant predicted to shift the reading frame beginning at codon 242 and leads to a stop codon 6 codons downstream. This variant is expected to result in nonsense mediated decay, truncation, or a dysfunctional protein product. This variant is rare in the general population with a frequency below the threshold expected for the associated phenotype(s). Given the available evidence, this variant is classified as Likely Pathogenic.

Myriad Genetics, Inc.
Classification: Pathogenic for Ornithine aminotransferase deficiency. Last evaluated: 2024-05-06. Review status: criteria provided, single submitter. Criteria: Myriad Autosomal Dominant, Autosomal Recessive and X-Linked Classification Criteria (2023). Collection method: clinical testing. Allele origin: unknown.
Comment: NM_000274.3(OAT):c.721_722dupCC(D242Rfs*6) is expected to be pathogenic in the context of ornithine aminotransferase deficiency. This variant is predicted to lead to an abnormal or absent protein product due to the creation of a premature termination codon in OAT, a gene where loss-of-function variants are known to be pathogenic. Please note: this variant was assessed in the context of healthy population screening.

Fulgent Genetics
Classification: Likely pathogenic for Ornithine aminotransferase deficiency. Last evaluated: 2024-04-12. Review status: criteria provided, single submitter. Criteria: ACMG Guidelines, 2015. Collection method: clinical testing. Allele origin: germline.

Blueprint Genetics
Classification: Likely pathogenic for OAT-related disorders. Last evaluated: 2021-09-23. Review status: criteria provided, single submitter. Criteria: ACMG Guidelines, 2015. Collection method: clinical testing. Allele origin: germline. Affected: yes. Observed: 1 variant allele.

Literature cited by the submitters: PubMed 1737786 (cited by Labcorp Genetics (formerly Invitae), Labcorp); PubMed 23076989 (cited by Labcorp Genetics (formerly Invitae), Labcorp).